The following is an entry in ClinVar:

ClinVar aggregate classification (germline): Uncertain significance (1 of 4 stars; one submission).

Conditions:
Hereditary cancer-predisposing syndrome. Also called: Tumor predisposition; Neoplastic Syndromes, Hereditary; Hereditary Cancer Syndrome; Hereditary neoplastic syndrome. Identifiers: Orphanet 140162, MedGen C0027672, MeSH D009386, MONDO:0015356.

Submission:

Ambry Genetics
Classification: Uncertain significance for Hereditary cancer-predisposing syndrome. Last evaluated: 2024-11-11. Review status: criteria provided, single submitter. Criteria: Ambry Variant Classification Scheme 2023. Collection method: clinical testing. Allele origin: germline.
Comment: The c.3838_3840delGAT variant (also known as p.D1280del) is located in coding exon 10 of the BRCA2 gene. This variant results from an in-frame GAT deletion at nucleotide positions 3838 to 3840. This results in the in-frame deletion of an aspartic acid at codon 1280. This amino acid position is not well conserved in available vertebrate species. In addition, the in silico prediction for this alteration is inconclusive (Choi Y et al. PLoS ONE. 2012; 7(10):e46688). Based on the available evidence, the clinical significance of this variant remains unclear.

NM_000059.4(BRCA2):c.3838_3840del (p.Asp1280del)

Gene: BRCA2 (BRCA2 DNA repair associated; plus strand). Cytogenetic location: 13q13.1.
Variant type: Deletion.
Coding change: c.3838_3840del on transcript NM_000059.4 (MANE Select); coding-DNA positions 3838 to 3840, 3 bases deleted (GAT; older notation c.3838_3840delGAT).
Protein change: p.Asp1280del; deletes aspartic acid 1280.
Molecular consequence: non-coding transcript variant (on NR_176251.1). On other transcripts: intron variant (2).
Genome position (GRCh38, 1-based): chr13:32,338,193-32,338,195, GAT deleted; deleting any 3 consecutive bases within chr13:32,338,191-32,338,195 gives the same sequence; the c. name uses the placement nearest the transcript's 3' end. VCF-style (leftmost placement, unchanged base first): chr13-32338190-AATG-A. GRCh37 (hg19) VCF-style: chr13-32912327-AATG-A.
Other names: c.3838_3840del, p.Asp1280del (NM_001406719.1, NM_001406720.1, NM_001432077.1); c.1909+4806_1909+4808del (NM_001406721.1); c.425-6365_425-6363del (NM_001406722.1); short protein forms D1280del.
Identifiers: ClinVar variation 3482177 (VCV003482177.1).